The following is an entry in ClinVar:

ClinVar aggregate classification (germline): Uncertain significance (1 of 4 stars; one submission).

Conditions:
Congenital myasthenic syndrome 18. Also called: MYASTHENIC SYNDROME, CONGENITAL, 18, WITH INTELLECTUAL DISABILITY AND ATAXIA. Identifiers: Orphanet 590, MedGen C4225364, MONDO:0014590, OMIM 616330.

Submission:

Labcorp Genetics (formerly Invitae), Labcorp
Classification: Uncertain significance for Congenital myasthenic syndrome 18. Last evaluated: 2023-04-03. Review status: criteria provided, single submitter. Criteria: Invitae Variant Classification Sherloc (09022015). Collection method: clinical testing. Allele origin: germline.
Comment: This variant has not been reported in the literature in individuals affected with SNAP25-related conditions. This variant is not present in population databases (gnomAD no frequency). Variants that disrupt the consensus splice site are a relatively common cause of aberrant splicing (PMID: 17576681, 9536098). Algorithms developed to predict the effect of sequence changes on RNA splicing suggest that this variant may disrupt the consensus splice site. In summary, the available evidence is currently insufficient to determine the role of this variant in disease. Therefore, it has been classified as a Variant of Uncertain Significance. This sequence change falls in intron 3 of the SNAP25 gene. It does not directly change the encoded amino acid sequence of the SNAP25 protein. It affects a nucleotide within the consensus splice site.

Literature cited by the submitters: PubMed 17576681; PubMed 9536098.

NM_130811.4(SNAP25):c.114+3A>C

Gene: SNAP25 (synaptosome associated protein 25; plus strand). Cytogenetic location: 20p12.2.
Variant type: single nucleotide variant.
Coding change: c.114+3A>C on transcript NM_130811.4 (MANE Select); 3 bases into the intron after coding-DNA position 114, A replaced by C.
Molecular consequence: intron variant.
Genome position (GRCh38, 1-based): chr20:10,277,729, A>C. VCF-style: chr20-10277729-A-C. GRCh37 (hg19) VCF-style: chr20-10258377-A-C.
Other names: c.114+3A>C (NM_001424416.1, NM_001322907.2, NM_001322910.2 and 9 more transcripts).
Identifiers: ClinVar variation 2810347 (VCV002810347.3), dbSNP rs2514785418, ClinGen allele CA2739277066.